The following is an entry in ClinVar:

ClinVar aggregate classification (germline): Likely benign (1 of 4 stars; one submission).

Allele frequency attached by ClinVar (database versions not stated): gnomAD 0.00001.
gnomAD v4.1: 1 of 1,591,918 alleles (0.000063%); highest among the groups gnomAD compares: Non-Finnish European, 0.000086%; no homozygotes.

Submission:

GeneDx
Classification: Likely benign. Last evaluated: 2016-12-15. Review status: criteria provided, single submitter. Criteria: GeneDx Variant Classification (06012015). Collection method: clinical testing. Allele origin: germline. Affected: yes.
Comment: This variant is considered likely benign or benign based on one or more of the following criteria: it is a conservative change, it occurs at a poorly conserved position in the protein, it is predicted to be benign by multiple in silico algorithms, and/or has population frequency not consistent with disease.

NM_001999.4(FBN2):c.7961-19T>A

Gene: FBN2 (fibrillin 2; minus strand). Cytogenetic location: 5q23.3.
Variant type: single nucleotide variant.
Coding change: c.7961-19T>A on transcript NM_001999.4 (MANE Select); 19 bases into the intron before coding-DNA position 7961, T replaced by A.
Molecular consequence: intron variant.
Genome position (GRCh38, 1-based): chr5:128,263,675, A>T on the plus strand (T>A on the coding strand, the complement: FBN2 is on the minus strand). VCF-style: chr5-128263675-A-T. GRCh37 (hg19) VCF-style: chr5-127599367-A-T.
Identifiers: ClinVar variation 391727 (VCV000391727.1), dbSNP rs1057524211, ClinGen allele CA16605240.